The following is an entry in ClinVar:

ClinVar aggregate classification (germline): Uncertain significance (1 of 4 stars; one submission).

Conditions:
Evans syndrome, immunodeficiency, and premature immunosenescence associated with tripeptidyl-peptidase II deficiency. Identifiers: MedGen CN231723. Disease mechanism: loss of function.

Submission:

Labcorp Genetics (formerly Invitae), Labcorp
Classification: Uncertain significance for Evans syndrome, immunodeficiency, and premature immunosenescence associated with tripeptidyl-peptidase II deficiency. Last evaluated: 2022-03-18. Review status: criteria provided, single submitter. Criteria: Invitae Variant Classification Sherloc (09022015). Collection method: clinical testing. Allele origin: germline.
Comment: This sequence change replaces alanine, which is neutral and non-polar, with valine, which is neutral and non-polar, at codon 1149 of the TPP2 protein (p.Ala1149Val). This variant is not present in population databases (gnomAD no frequency). This variant has not been reported in the literature in individuals affected with TPP2-related conditions. Algorithms developed to predict the effect of missense changes on protein structure and function output the following: SIFT: "Tolerated"; PolyPhen-2: "Benign"; Align-GVGD: "Class C0". The valine amino acid residue is found in multiple mammalian species, which suggests that this missense change does not adversely affect protein function. In summary, the available evidence is currently insufficient to determine the role of this variant in disease. Therefore, it has been classified as a Variant of Uncertain Significance.

NM_001330588.2(TPP2):c.3485C>T (p.Ala1162Val)

Gene: TPP2 (tripeptidyl peptidase 2; plus strand). Cytogenetic location: 13q33.1.
Variant type: single nucleotide variant.
Coding change: c.3485C>T on transcript NM_001330588.2 (MANE Select); coding-DNA position 3485, C replaced by T.
Protein change: p.Ala1162Val; replaces alanine 1162 with valine.
Molecular consequence: missense variant. On other transcripts: non-coding transcript variant (1).
Genome position (GRCh38, 1-based): chr13:102,674,396, C>T. VCF-style: chr13-102674396-C-T. GRCh37 (hg19) VCF-style: chr13-103326746-C-T.
Other names: c.3572C>T, p.Ala1191Val (NM_001367947.1); c.3446C>T, p.Ala1149Val (NM_003291.4); short protein forms A1149V, A1162V, A1191V.
Identifiers: ClinVar variation 2018265 (VCV002018265.4), dbSNP rs768360752, ClinGen allele CA388512181.
Genomic context (GRCh38, chr13:102,674,396, plus strand): 5'-GTGCCCTGGCAGACCATCTTCTTCACACCCAGGCTCAAGACGGAGCCATTTCCACTGATG[C>T]AGAAGGAAAGGAGGAGGAAGGAGAAAGTCCTTTGGATTCTCTGGCAGAAACATTTTGGGA-3'
Protein context (NP_001317517.1, residues 1152-1172): QAQDGAISTD[Ala1162Val]EGKEEEGESP